The following is an entry in ClinVar:

ClinVar aggregate classification (germline): Uncertain significance. Review status: criteria provided, multiple submitters, no conflicts (2 of 4 stars). 2 submissions from 2 submitters: Uncertain significance (2). Last evaluated 2022-07-19.

Conditions:
Leber congenital amaurosis 4 (LCA4). Identifiers: MedGen C1858386, MONDO:0011458, OMIM 604393.

Allele frequency attached by ClinVar (database versions not stated): 1000 Genomes Project 30x 0.00016; 1000 Genomes Project 0.00020.

Submissions (2):

Labcorp Genetics (formerly Invitae), Labcorp
Classification: Uncertain significance for Leber congenital amaurosis 4. Last evaluated: 2022-07-19. Review status: criteria provided, single submitter. Criteria: Invitae Variant Classification Sherloc (09022015). Collection method: clinical testing. Allele origin: germline.
Comment: This sequence change replaces arginine, which is basic and polar, with proline, which is neutral and non-polar, at codon 322 of the AIPL1 protein (p.Arg322Pro). This variant is present in population databases (rs537788083, gnomAD 0.003%). This variant has not been reported in the literature in individuals affected with AIPL1-related conditions. ClinVar contains an entry for this variant (Variation ID: 1002686). Algorithms developed to predict the effect of missense changes on protein structure and function are either unavailable or do not agree on the potential impact of this missense change (SIFT: "Tolerated"; PolyPhen-2: "Possibly Damaging"; Align-GVGD: "Class C0"). In summary, the available evidence is currently insufficient to determine the role of this variant in disease. Therefore, it has been classified as a Variant of Uncertain Significance.

Blueprint Genetics
Classification: Uncertain significance. Last evaluated: 2021-12-21. Review status: criteria provided, single submitter. Criteria: ACMG Guidelines, 2015. Collection method: clinical testing. Allele origin: germline.

NM_014336.5(AIPL1):c.965G>C (p.Arg322Pro)

Gene: AIPL1 (AIP like 1 HSP90 co-chaperone; minus strand). Cytogenetic location: 17p13.2.
Variant type: single nucleotide variant.
Coding change: c.965G>C on transcript NM_014336.5 (MANE Select); coding-DNA position 965, G replaced by C.
Protein change: p.Arg322Pro; replaces arginine 322 with proline.
Molecular consequence: missense variant. On other transcripts: 3 prime UTR variant (1).
Genome position (GRCh38, 1-based): chr17:6,425,650, C>G on the plus strand (G>C on the coding strand, the complement: AIPL1 is on the minus strand). VCF-style: chr17-6425650-C-G. GRCh37 (hg19) VCF-style: chr17-6328970-C-G.
Other names: c.776G>C, p.Arg259Pro (NM_001033054.3); c.785G>C, p.Arg262Pro (NM_001033055.3); c.929G>C, p.Arg310Pro (NM_001285399.3); c.899G>C, p.Arg300Pro (NM_001285400.3); c.893G>C, p.Arg298Pro (NM_001285401.3); c.848G>C, p.Arg283Pro (NM_001285402.2); c.*936G>C (NM_001285403.4); short protein forms R259P, R262P, R283P, R298P, R300P, R310P, R322P.
Identifiers: ClinVar variation 1002686 (VCV001002686.7), dbSNP rs537788083, ClinGen allele CA8328344.